The following is an entry in ClinVar:

NM_001205293.3(CACNA1E):c.3273G>C (p.Lys1091Asn)

Gene: CACNA1E (calcium voltage-gated channel subunit alpha1 E; plus strand). Cytogenetic location: 1q25.3.
Variant type: single nucleotide variant.
Coding change: c.3273G>C on transcript NM_001205293.3 (MANE Select); coding-DNA position 3273, G replaced by C.
Protein change: p.Lys1091Asn; replaces lysine 1091 with asparagine.
Molecular consequence: missense variant.
Genome position (GRCh38, 1-based): chr1:181,736,285, G>C. VCF-style: chr1-181736285-G-C. GRCh37 (hg19) VCF-style: chr1-181705421-G-C.
Other names: c.3273G>C, p.Lys1091Asn (NM_000721.4); c.3216G>C, p.Lys1072Asn (NM_001205294.2); short protein forms K1072N, K1091N.
Identifiers: ClinVar variation 4799995 (VCV004799995.1).

ClinVar aggregate classification (germline): Uncertain significance (1 of 4 stars; one submission).

Submission:

Labcorp Genetics (formerly Invitae), Labcorp
Classification: Uncertain significance. Last evaluated: 2025-12-05. Review status: criteria provided, single submitter. Criteria: Invitae Variant Classification Sherloc (09022015). Collection method: clinical testing. Allele origin: germline.
Comment: This sequence change replaces lysine, which is basic and polar, with asparagine, which is neutral and polar, at codon 1091 of the CACNA1E protein (p.Lys1091Asn). This variant is not present in population databases (gnomAD no frequency). This variant has not been reported in the literature in individuals affected with CACNA1E-related conditions. Invitae Evidence Modeling of protein sequence and biophysical properties (such as structural, functional, and spatial information, amino acid conservation, physicochemical variation, residue mobility, and thermodynamic stability) indicates that this missense variant is not expected to disrupt CACNA1E protein function with a negative predictive value of 95%. In summary, the available evidence is currently insufficient to determine the role of this variant in disease. Therefore, it has been classified as a Variant of Uncertain Significance.